The following is an entry in ClinVar:

ClinVar aggregate classification (germline): Likely benign (0 of 4 stars; one submission).

Conditions:
LHX1-related disorder. Also called: LHX1-related condition.

Submission:

PreventionGenetics, part of Exact Sciences
Classification: Likely benign for LHX1-related condition. Last evaluated: 2019-07-25. Review status: no assertion criteria provided. Collection method: clinical testing. Allele origin: germline.
Comment: This variant is classified as likely benign based on ACMG/AMP sequence variant interpretation guidelines (Richards et al. 2015 PMID: 25741868, with internal and published modifications).

NM_005568.5(LHX1):c.171-5del

Gene: LHX1 (LIM homeobox 1; plus strand). Cytogenetic location: 17q12.
Variant type: Deletion.
Coding change: c.171-5del on transcript NM_005568.5 (MANE Select); 5 bases into the intron before coding-DNA position 171, one base deleted (C; older notation c.171-5delC).
Molecular consequence: intron variant.
Genome position (GRCh38, 1-based): chr17:36,940,285, C deleted; the last of 7 consecutive C bases (chr17:36,940,279-36,940,285); deleting any one gives the same sequence. VCF-style (leftmost placement, unchanged base first): chr17-36940278-AC-A. GRCh37 (hg19) VCF-style: chr17-35297575-AC-A.
Identifiers: ClinVar variation 3044599 (VCV003044599.2), dbSNP rs749643400, ClinGen allele CA8513641.